The following is an entry in ClinVar:

ClinVar aggregate classification (germline): Uncertain significance. Review status: criteria provided, multiple submitters, no conflicts (2 of 4 stars). 15 submissions from 15 submitters: Uncertain significance (11). 4 of the submissions do not count toward it. Last evaluated 2025-05-22.

Conditions:
Acute lymphoid leukemia (ALL). Also called: Lymphoblastic leukemia; Acute lymphoblastic leukemia; Acute lymphocytic leukemia; Leukemia, acute lymphoblastic, somatic. Identifiers: Orphanet 513, MedGen C0023449, MONDO:0004967, OMIM 613065, HP:0006721.
Microcephaly, normal intelligence and immunodeficiency (NBS). Also called: BERLIN BREAKAGE SYNDROME; Nijmegen breakage syndrome; Microcephaly with normal intelligence immunodeficiency and lymphoreticular malignancies; Nonsyndromal microcephaly autosomal recessive with normal intelligence; Seemanova syndrome 2; Ataxia telangiectasia variant V1. Identifiers: Orphanet 647, MedGen C0398791, MONDO:0009623, OMIM 251260.
Aplastic anemia. Identifiers: Orphanet 182040, Orphanet 88, MedGen C0002874, MONDO:0015909, OMIM 609135, HP:0001915.
Hereditary cancer-predisposing syndrome. Also called: Tumor predisposition; Hereditary neoplastic syndrome; Neoplastic Syndromes, Hereditary; Hereditary Cancer Syndrome. Identifiers: Orphanet 140162, MedGen C0027672, MeSH D009386, MONDO:0015356.

Allele frequency attached by ClinVar (database versions not stated): gnomAD exomes 0.00001 and 0.00004; gnomAD 0.00004 and 0.00005; TOPMed 0.00004.
gnomAD v4.1: 68 of 1,613,124 alleles (0.0042%); highest among the groups gnomAD compares: Non-Finnish European, 0.0057%; no homozygotes.

Submissions (15):

Mayo Clinic Laboratories, Mayo Clinic
Classification: Uncertain significance. Last evaluated: 2025-05-22. Review status: criteria provided, single submitter. Criteria: ACMG Guidelines, 2015. Collection method: clinical testing. Allele origin: germline. Observed: 1 variant allele.

Labcorp Genetics (formerly Invitae), Labcorp
Classification: Uncertain significance for Microcephaly, normal intelligence and immunodeficiency. Last evaluated: 2025-01-21. Review status: criteria provided, single submitter. Criteria: Invitae Variant Classification Sherloc (09022015). Collection method: clinical testing. Allele origin: germline.
Comment: This sequence change replaces phenylalanine, which is neutral and non-polar, with leucine, which is neutral and non-polar, at codon 222 of the NBN protein (p.Phe222Leu). This variant is present in population databases (rs541992192, gnomAD 0.004%). This missense change has been observed in individual(s) with breast cancer, late-onset sporadic melanoma, leukemia, and/or uterine cancer (PMID: 17496786, 25503501, 34326862). ClinVar contains an entry for this variant (Variation ID: 136046). An algorithm developed to predict the effect of missense changes on protein structure and function (PolyPhen-2) suggests that this variant is likely to be disruptive. In summary, the available evidence is currently insufficient to determine the role of this variant in disease. Therefore, it has been classified as a Variant of Uncertain Significance.

GeneDx
Classification: Uncertain significance. Last evaluated: 2024-12-05. Review status: criteria provided, single submitter. Criteria: GeneDx Variant Classification Process June 2021. Collection method: clinical testing. Allele origin: germline. Affected: yes.
Comment: Not observed at significant frequency in large population cohorts (gnomAD); In silico analysis supports that this missense variant has a deleterious effect on protein structure/function; Observed in individuals with a personal or family history of melanoma, breast, leukemia, or other cancers, as well as in unaffected controls (PMID: 17496786, 25503501, 29522266, 34326862, 33471991); This variant is associated with the following publications: (PMID: 24396275, 17496786, 25503501, 33471991, 29522266, 34072463, 26580448, 37503171, 38446568, 34326862)

Ambry Genetics
Classification: Uncertain significance for Hereditary cancer-predisposing syndrome. Last evaluated: 2024-10-07. Review status: criteria provided, single submitter. Criteria: Ambry Variant Classification Scheme 2023. Collection method: clinical testing. Allele origin: germline.
Comment: The p.F222L variant (also known as c.664T>C), located in coding exon 6 of the NBN gene, results from a T to C substitution at nucleotide position 664. The phenylalanine at codon 222 is replaced by leucine, an amino acid with highly similar properties. This alteration has been detected in an individual diagnosed with melanoma (Meyer P et al. Melanoma Res. 2007 Apr;17(2):109-16). This alteration has also been detected in multiple individuals diagnosed with breast cancer (Maxwell KN et al. Genet. Med. 2015 Aug;17:630-8; Hauke J et al. Cancer Med, 2018 04;7:1349-1358). This amino acid position is highly conserved in available vertebrate species. In addition, this alteration is predicted to be deleterious by in silico analysis. Based on the available evidence, the clinical significance of this variant remains unclear.

Quest Diagnostics Nichols Institute San Juan Capistrano
Classification: Uncertain significance. Last evaluated: 2024-09-19. Review status: criteria provided, single submitter. Criteria: Quest Diagnostics criteria. Collection method: clinical testing. Allele origin: unknown.
Comment: The NBN c.664T>C (p.Phe222Leu) variant has been reported in the published literature in individuals with breast cancer (PMIDs: 25503501 (2015), 29522266 (2018), 33471991 (2021) see also LOVD), melanoma (PMID: 17496786 (2007)), leukemia (PMID: 26580448 (2015)), as well as reportedly healthy individuals (PMID: 33471991 (2021) see also LOVD). The frequency of this variant in the general population, 0.000039 (5/128768 chromosomes (Genome Aggregation Database)), is uninformative in the assessment of its pathogenicity. Analysis of this variant using bioinformatics tools for the prediction of the effect of amino acid changes on protein structure and function yielded predictions that this variant is damaging. Based on the available information, we are unable to determine the clinical significance of this variant.

Baylor Genetics
Classification: Uncertain significance for Aplastic anemia. Last evaluated: 2024-03-25. Review status: criteria provided, single submitter. Criteria: ACMG Guidelines, 2015. Collection method: clinical testing. Allele origin: unknown.

Women's Health and Genetics/Laboratory Corporation of America, LabCorp
Classification: Uncertain significance. Last evaluated: 2023-03-23. Review status: criteria provided, single submitter. Criteria: LabCorp Variant Classification Summary - May 2015. Collection method: clinical testing. Allele origin: germline.
Comment: Variant summary: NBN c.664T>C (p.Phe222Leu) results in a non-conservative amino acid change located in the second BRCT domain (IPR032429) of the encoded protein sequence. Five of five in-silico tools predict a damaging effect of the variant on protein function. The variant allele was found at a frequency of 1.2e-05 in 250722 control chromosomes (gnomAD). The available data on variant occurrences in the general population are insufficient to allow any conclusion about variant significance. c.664T>C has been reported in the literature in an individual affected with melanoma with no family history of cancer, as a VUS in an individual affected with leukemia, and in an individual with a personal history of breast cancer and leukemia and an extensive family history of cancer, without strong evidence for causality (Meyer_2007, Maxwell_2015, Zhang_2015). These reports do not provide unequivocal conclusions about association of the variant with Hereditary Breast And Ovarian Cancer Syndrome. To our knowledge, no experimental evidence demonstrating an impact on protein function has been reported. Ten submitters have provided clinical-significance assessments for this variant to ClinVar after 2014 and all classified the variant as uncertain significance. Based on the evidence outlined above, the variant was classified as uncertain significance.

Blueprint Genetics
Classification: Uncertain significance. Last evaluated: 2023-02-28. Review status: criteria provided, single submitter. Criteria: ACMG Guidelines, 2015. Collection method: clinical testing. Allele origin: germline.

Sema4
Classification: Uncertain significance for Hereditary cancer-predisposing syndrome. Last evaluated: 2022-02-15. Review status: criteria provided, single submitter. Criteria: Sema4 Curation Guidelines. Collection method: curation. Allele origin: germline.
Comment: The NBN c.664T>C (p.F222L) variant has been reported in individuals with breast cancer and/or melanoma (PMID: 2952226, 17496786, 25503501). Additionally, it was reported in a large case-control study in 12/60466 breast cancer cases and in 3/53461 controls (PMID: 33471991). The variant was observed in 5/128768 chromosomes of the Non-Finnish European subpopulation in the large and broad cohorts of the Genome Aggregation Database (PMID: 32461654) and has been reported in ClinVar (Variation ID: 136046). In silico tools suggest the impact of the variant on protein function is deleterious, though these predictions have not been confirmed by functional studies. The evidence is insufficient to meet ACMG/AMP criteria for classifying the variant as benign or pathogenic. Thus, the clinical significance of this variant is currently uncertain.

Genome-Nilou Lab
Classification: Uncertain significance for Microcephaly, normal intelligence and immunodeficiency. Last evaluated: 2021-11-07. Review status: criteria provided, single submitter. Criteria: ACMG Guidelines, 2015. Collection method: clinical testing. Allele origin: germline. Affected: no.

Fulgent Genetics
Classification: Uncertain significance for Microcephaly, normal intelligence and immunodeficiency; Aplastic anemia; Acute lymphoid leukemia. Last evaluated: 2021-07-14. Review status: criteria provided, single submitter. Criteria: ACMG Guidelines, 2015. Collection method: clinical testing. Allele origin: unknown.

Natera, Inc.
Classification: Uncertain significance for Nijmegen breakage syndrome. Last evaluated: 2020-04-14. Review status: no assertion criteria provided. Collection method: clinical testing. Allele origin: germline. Not counted in ClinVar's aggregate classification.

Counsyl
Classification: Uncertain significance for Microcephaly, normal intelligence and immunodeficiency. Last evaluated: 2017-10-16. Review status: no assertion criteria provided. Collection method: clinical testing. Allele origin: unknown. Not counted in ClinVar's aggregate classification.

Diagnostic Laboratory, Department of Genetics, University Medical Center Groningen
Classification: Uncertain significance. Review status: no assertion criteria provided. Collection method: clinical testing. Allele origin: germline. Affected: yes. Study: VKGL Data-share Consensus. Not counted in ClinVar's aggregate classification.

Genome Diagnostics Laboratory, Amsterdam University Medical Center
Classification: Uncertain significance. Review status: no assertion criteria provided. Collection method: clinical testing. Allele origin: germline. Affected: yes. Study: VKGL Data-share Consensus. Not counted in ClinVar's aggregate classification.

Literature cited by the submitters: PubMed 17496786 (cited by 6 submitters); PubMed 25503501 (cited by 5 submitters); PubMed 34326862 (cited by Labcorp Genetics (formerly Invitae), Labcorp); PubMed 24396275 (cited by Ambry Genetics); PubMed 29522266 (cited by Ambry Genetics and Quest Diagnostics Nichols Institute San Juan Capistrano); PubMed 33471991 (cited by Quest Diagnostics Nichols Institute San Juan Capistrano and Sema4); PubMed 26580448 (cited by Quest Diagnostics Nichols Institute San Juan Capistrano and Women's Health and Genetics/Laboratory Corporation of America, LabCorp); PubMed 2952226 (cited by Sema4).

NM_002485.5(NBN):c.664T>C (p.Phe222Leu)

Gene: NBN (nibrin; minus strand). Cytogenetic location: 8q21.3.
Variant type: single nucleotide variant.
Coding change: c.664T>C on transcript NM_002485.5 (MANE Select); coding-DNA position 664, T replaced by C.
Protein change: p.Phe222Leu; replaces phenylalanine 222 with leucine.
Molecular consequence: missense variant.
Genome position (GRCh38, 1-based): chr8:89,971,211, A>G on the plus strand (T>C on the coding strand, the complement: NBN is on the minus strand). VCF-style: chr8-89971211-A-G. GRCh37 (hg19) VCF-style: chr8-90983439-A-G.
Other names: p.F222L:TTC>CTC; p.Phe222Leu; c.418T>C, p.Phe140Leu (NM_001024688.3); short protein forms F222L, F140L.
Identifiers: ClinVar variation 136046 (VCV000136046.37), dbSNP rs541992192, ClinGen allele CA293935.
Genomic context (GRCh38, chr8:89,971,211, plus strand): 5'-ATTTAGCTTATAACATAATTACCTGTTTGGCATTCAAAAATATAAATGTTTTCCCTTTGA[A>G]GATTTGTTTTCTTTCCTGCCGTCCTGACAGATCAACATTTTTACTTCCAATAGATGGTTC-3'
Protein context (NP_002476.2, residues 212-232): LSGRQERKQI[Phe222Leu]KGKTFIFLNA